The following is an entry in ClinVar:

NM_182931.3(KMT2E):c.2990C>A (p.Thr997Asn)

Gene: KMT2E (lysine methyltransferase 2E (inactive); plus strand). Cytogenetic location: 7q22.3.
Variant type: single nucleotide variant.
Coding change: c.2990C>A on transcript NM_182931.3 (MANE Select); coding-DNA position 2990, C replaced by A.
Protein change: p.Thr997Asn; replaces threonine 997 with asparagine.
Molecular consequence: missense variant.
Genome position (GRCh38, 1-based): chr7:105,107,447, C>A. VCF-style: chr7-105107447-C-A. GRCh37 (hg19) VCF-style: chr7-104747894-C-A.
Other names: c.2990C>A, p.Thr997Asn (NM_001410908.1, NM_018682.4); short protein forms T997N.
Identifiers: ClinVar variation 3361582 (VCV003361582.1).

ClinVar aggregate classification (germline): Uncertain significance (1 of 4 stars; one submission).

Submission:

GeneDx
Classification: Uncertain significance. Last evaluated: 2023-07-27. Review status: criteria provided, single submitter. Criteria: GeneDx Variant Classification Process June 2021. Collection method: clinical testing. Allele origin: germline. Affected: yes.
Comment: Not observed at significant frequency in large population cohorts (gnomAD); In silico analysis supports that this missense variant does not alter protein structure/function; Has not been previously published as pathogenic or benign to our knowledge